The following is an entry in ClinVar:

ClinVar aggregate classification (germline): Conflicting classifications of pathogenicity. Review status: criteria provided, conflicting classifications (1 of 4 stars). 9 submissions from 9 submitters: Uncertain significance (4); Benign (1); Likely benign (4). Last evaluated 2026-01-05.

Conditions:
TSC2-related disorder. Also called: TSC2-related condition; TSC2-Related Disorders.
Hereditary cancer-predisposing syndrome. Also called: Neoplastic Syndromes, Hereditary; Tumor predisposition; Hereditary Cancer Syndrome; Hereditary neoplastic syndrome. Identifiers: Orphanet 140162, MedGen C0027672, MeSH D009386, MONDO:0015356.
Tuberous sclerosis syndrome (TSC). Also called: Tuberous Sclerosis Complex; Tuberous sclerosis. Identifiers: Orphanet 805, MedGen C0041341, MONDO:0001734.
Tuberous sclerosis 2 (TSC2). Identifiers: Orphanet 805, MedGen C1860707, MONDO:0013199, OMIM 613254.

gnomAD v4.1: 2 of 1,608,952 alleles (0.00012%); highest among the groups gnomAD compares: Non-Finnish European, 0.000085%; no homozygotes.

Submissions (9):

Labcorp Genetics (formerly Invitae), Labcorp
Classification: Benign for Tuberous sclerosis 2. Last evaluated: 2026-01-05. Review status: criteria provided, single submitter. Criteria: Invitae Variant Classification Sherloc (09022015). Collection method: clinical testing. Allele origin: germline.

PreventionGenetics, part of Exact Sciences
Classification: Likely benign for TSC2-related condition. Last evaluated: 2025-11-10. Review status: criteria provided, single submitter. Criteria: ACMG Guidelines, 2015. Collection method: clinical testing. Allele origin: germline.
Comment: This variant is classified as likely benign based on ACMG/AMP sequence variant interpretation guidelines (Richards et al. 2015 PMID: 25741868, with internal and published modifications).

Color Diagnostics, LLC DBA Color Health
Classification: Uncertain significance for Tuberous sclerosis syndrome. Last evaluated: 2025-09-17. Review status: criteria provided, single submitter. Criteria: ACMG Guidelines, 2015. Collection method: clinical testing. Allele origin: germline.
Comment: This missense variant replaces proline with serine at codon 1441 of the TSC2 protein. Computational prediction suggests that this variant may not impact protein structure and function. To our knowledge, functional studies have not been reported for this variant. This variant has not been reported in individuals affected with TSC2-related disorders in the literature. This variant has not been identified in the general population by the Genome Aggregation Database (gnomAD). The available evidence is insufficient to determine the role of this variant in disease conclusively. Therefore, this variant is classified as a Variant of Uncertain Significance.

All of Us Research Program, National Institutes of Health
Classification: Uncertain significance for Tuberous sclerosis syndrome. Last evaluated: 2024-06-09. Review status: criteria provided, single submitter. Criteria: ACMG Guidelines, 2015. Collection method: clinical testing. Allele origin: germline. Inheritance: Autosomal dominant inheritance. Observed: 2 variant alleles, 2 heterozygotes.
Comment: This missense variant replaces proline with serine at codon 1441 of the TSC2 protein. Computational prediction suggests that this variant may not impact protein structure and function (internally defined REVEL score threshold <= 0.5, PMID: 27666373). To our knowledge, functional studies have not been reported for this variant. This variant has not been reported in individuals affected with TSC2-related disorders in the literature. This variant has not been identified in the general population by the Genome Aggregation Database (gnomAD). The available evidence is insufficient to determine the role of this variant in disease conclusively. Therefore, this variant is classified as a Variant of Uncertain Significance.

This study involves interpretation of variants in research participants for the purpose of population health screening. Participant phenotype was not available at the time of variant classification. Additional details can be found in publication PMID: 35346344, PMCID: PMC8962531

Myriad Genetics, Inc.
Classification: Likely benign for Tuberous sclerosis 2. Last evaluated: 2023-07-13. Review status: criteria provided, single submitter. Criteria: Myriad Autosomal Dominant, Autosomal Recessive and X-Linked Classification Criteria (2023). Collection method: clinical testing. Allele origin: unknown.
Comment: This variant is considered likely benign. Homozygosity has been confirmed in one or more individuals. As homozygosity for pathogenic variants in this gene is generally assumed to result in embryonic lethality, this variant is unlikely to be pathogenic.

Genome-Nilou Lab
Classification: Likely benign for Tuberous sclerosis 2. Last evaluated: 2021-11-07. Review status: criteria provided, single submitter. Criteria: ACMG Guidelines, 2015. Collection method: clinical testing. Allele origin: germline. Affected: no.

Ambry Genetics
Classification: Likely benign for Hereditary cancer-predisposing syndrome. Last evaluated: 2020-10-05. Review status: criteria provided, single submitter. Criteria: Ambry Variant Classification Scheme 2023. Collection method: clinical testing. Allele origin: germline.

Illumina Laboratory Services, Illumina
Classification: Uncertain significance for Tuberous sclerosis syndrome. Last evaluated: 2017-04-27. Review status: criteria provided, single submitter. Criteria: ICSL Variant Classification Criteria 13 December 2019. Collection method: clinical testing. Allele origin: germline.

GeneDx
Classification: Uncertain significance. Last evaluated: 2017-02-17. Review status: criteria provided, single submitter. Criteria: GeneDx Variant Classification (06012015). Collection method: clinical testing. Allele origin: germline. Affected: yes.
Comment: A variant of uncertain significance has been identified in the TSC2 gene. The P1441S variant has not been published as a pathogenic variant, nor has it been reported as a benign variant to our knowledge. It was not observed in approximately 6,500 individuals of European and African American ancestry in the NHLBI Exome Sequencing Project, indicating it is not a common benign variant in these populations. The P1441S variant is a non-conservative amino acid substitution, which is likely to impact secondary protein structure as these residues differ in polarity, charge, size and/or other properties. However, this substitution occurs at a position that is not conserved and in silico analysis predicts this variant likely does not alter the protein structure/function. Furthermore, this substitution does not occur within known functional domains of the tuberin protein, where many pathogenic missense variants have been identified (Northrup et al., 2011; Au et al., 2007). Therefore, based on the currently available information, it is unclear whether this variant is a pathogenic variant or a rare benign variant.

NM_000548.5(TSC2):c.4321C>T (p.Pro1441Ser)

Gene: TSC2 (TSC complex subunit 2; plus strand). Cytogenetic location: 16p13.3.
Variant type: single nucleotide variant.
Coding change: c.4321C>T on transcript NM_000548.5 (MANE Select); coding-DNA position 4321, C replaced by T.
Protein change: p.Pro1441Ser; replaces proline 1441 with serine.
Molecular consequence: missense variant.
Genome position (GRCh38, 1-based): chr16:2,084,543, C>T. VCF-style: chr16-2084543-C-T. GRCh37 (hg19) VCF-style: chr16-2134544-C-T.
Other names: c.4120C>T, p.Pro1374Ser (NM_001077183.3); c.4252C>T, p.Pro1418Ser (NM_001114382.3); c.4012C>T, p.Pro1338Ser (NM_001318827.2); c.3976C>T, p.Pro1326Ser (NM_001318829.2); c.3589C>T, p.Pro1197Ser (NM_001318831.2); c.4153C>T, p.Pro1385Ser (NM_001318832.2); c.4123C>T, p.Pro1375Ser (NM_001363528.2); c.4189C>T, p.Pro1397Ser (NM_001370404.1); and 2 more; short protein forms P1441S, P1374S, P1197S, P1326S, P1338S, P1398S, P1385S, P1397S.
Identifiers: ClinVar variation 388436 (VCV000388436.26), dbSNP rs201710642, ClinGen allele CA16607171.